The following is an entry in ClinVar:

NM_000632.4(ITGAM):c.2393G>A (p.Arg798Gln)

Gene: ITGAM (integrin subunit alpha M; plus strand). Cytogenetic location: 16p11.2.
Variant type: single nucleotide variant.
Coding change: c.2393G>A on transcript NM_000632.4 (MANE Select); coding-DNA position 2393, G replaced by A.
Protein change: p.Arg798Gln; replaces arginine 798 with glutamine.
Molecular consequence: missense variant.
Genome position (GRCh38, 1-based): chr16:31,325,292, G>A. VCF-style: chr16-31325292-G-A. GRCh37 (hg19) VCF-style: chr16-31336613-G-A.
Other names: c.2393G>A (NM_000632.3); c.2396G>A, p.Arg799Gln (NM_001145808.2); short protein forms R798Q, R799Q.
Identifiers: ClinVar variation 1923106 (VCV001923106.6), dbSNP rs752790664, ClinGen allele CA8025818.

ClinVar aggregate classification (germline): Uncertain significance. Review status: criteria provided, multiple submitters, no conflicts (2 of 4 stars). 2 submissions from 2 submitters: Uncertain significance (2). Last evaluated 2025-08-14.

Allele frequency attached by ClinVar (database versions not stated): gnomAD exomes below 0.00001; TOPMed 0.00001; gnomAD 0.00002; ExAC 0.00003.
gnomAD v4.1: 8 of 1,613,470 alleles (0.0005%); highest among the groups gnomAD compares: South Asian, 0.0044%; no homozygotes.

Submissions (2):

Ambry Genetics
Classification: Uncertain significance. Last evaluated: 2025-08-14. Review status: criteria provided, single submitter. Criteria: Ambry Variant Classification Scheme 2023. Collection method: clinical testing. Allele origin: germline.

Labcorp Genetics (formerly Invitae), Labcorp
Classification: Uncertain significance. Last evaluated: 2022-07-01. Review status: criteria provided, single submitter. Criteria: Invitae Variant Classification Sherloc (09022015). Collection method: clinical testing. Allele origin: germline.
Comment: In summary, the available evidence is currently insufficient to determine the role of this variant in disease. Therefore, it has been classified as a Variant of Uncertain Significance. Algorithms developed to predict the effect of missense changes on protein structure and function output the following: SIFT: "Tolerated"; PolyPhen-2: "Benign"; Align-GVGD: "Class C0". The glutamine amino acid residue is found in multiple mammalian species, which suggests that this missense change does not adversely affect protein function. This variant has not been reported in the literature in individuals affected with ITGAM-related conditions. This variant is present in population databases (rs752790664, gnomAD 0.007%). This sequence change replaces arginine, which is basic and polar, with glutamine, which is neutral and polar, at codon 798 of the ITGAM protein (p.Arg798Gln).